The following is an entry in ClinVar:

NM_153377.5(LRIG3):c.2019A>G (p.Val673=)

Gene: LRIG3 (leucine rich repeats and immunoglobulin like domains 3; minus strand). Cytogenetic location: 12q14.1.
Variant type: single nucleotide variant.
Coding change: c.2019A>G on transcript NM_153377.5 (MANE Select); coding-DNA position 2019, A replaced by G.
Protein change: p.Val673=; no amino-acid change (valine 673 retained).
Molecular consequence: synonymous variant.
Genome position (GRCh38, 1-based): chr12:58,878,888, T>C on the plus strand (A>G on the coding strand, the complement: LRIG3 is on the minus strand). VCF-style: chr12-58878888-T-C. GRCh37 (hg19) VCF-style: chr12-59272670-T-C.
Other names: c.1839A>G, p.Val613= (NM_001136051.3).
Identifiers: ClinVar variation 2643154 (VCV002643154.24), dbSNP rs755052796, ClinGen allele CA480406057.

ClinVar aggregate classification (germline): Likely benign (1 of 4 stars; one submission).

gnomAD v4.1: 3 of 1,614,224 alleles (0.00019%); highest among the groups gnomAD compares: Non-Finnish European, 0.00025%; no homozygotes.

Submission:

CeGaT Center for Human Genetics Tuebingen
Classification: Likely benign. Last evaluated: 2022-07-01. Review status: criteria provided, single submitter. Criteria: CeGaT Center For Human Genetics Tuebingen Variant Classification Criteria Version 2. Collection method: clinical testing. Allele origin: germline. Affected: yes. Observed: 1 variant allele.
Comment: LRIG3: PM2:Supporting, BP4, BP7